The following is an entry in ClinVar:

ClinVar aggregate classification (germline): Conflicting classifications of pathogenicity. Review status: criteria provided, conflicting classifications (1 of 4 stars). 5 submissions from 5 submitters: Uncertain significance (2); Benign (1); Likely benign (2). Last evaluated 2025-12-31.

Conditions:
EYA1-related disorder. Also called: EYA1-related condition.
Melnick-Fraser syndrome (BOR). Also called: Branchiootorenal syndrome; Branchiootorenal Syndrome (BORS); Branchio-oto-renal syndrome. Identifiers: Orphanet 107, MedGen C0265234, MONDO:0007029.
Branchiootic syndrome 1 (BOS1). Also called: BO SYNDROME 1; BRANCHIOOTIC DYSPLASIA. Identifiers: MedGen C1865143, MONDO:0011258, OMIM 602588.
Branchiootorenal syndrome 1. Also called: Branchio-Oto-Renal Syndrome 1. Identifiers: Orphanet 107, MedGen C4551702, MONDO:0007236, OMIM 113650.
Otofaciocervical syndrome 1 (OTFCS). Identifiers: MedGen C3714941, MONDO:0024532, OMIM 166780.

Allele frequency attached by ClinVar (database versions not stated): ExAC 0.00002; gnomAD 0.00002; TOPMed 0.00002; gnomAD exomes 0.00003.
gnomAD v4.1: 48 of 1,613,596 alleles (0.003%); highest among the groups gnomAD compares: Non-Finnish European, 0.0039%; no homozygotes.

Submissions (5):

PreventionGenetics, part of Exact Sciences
Classification: Uncertain significance for EYA1-related condition. Last evaluated: 2025-12-31. Review status: criteria provided, single submitter. Criteria: ACMG Guidelines, 2015. Collection method: clinical testing. Allele origin: germline.
Comment: The EYA1 c.49A>G variant is predicted to result in the amino acid substitution p.Ser17Gly. To our knowledge, this variant has not been reported in the literature. This variant is reported in 0.0062% of alleles in individuals of European (Non-Finnish) descent in gnomAD. At this time, the clinical significance of this variant is uncertain due to the absence of conclusive functional and genetic evidence.

CeGaT Center for Human Genetics Tuebingen
Classification: Likely benign. Last evaluated: 2025-06-01. Review status: criteria provided, single submitter. Criteria: CeGaT Center For Human Genetics Tuebingen Variant Classification Criteria Version 2. Collection method: clinical testing. Allele origin: germline. Affected: yes. Observed: 3 variant alleles.
Comment: EYA1: BP4, BS2

Labcorp Genetics (formerly Invitae), Labcorp
Classification: Benign for Melnick-Fraser syndrome. Last evaluated: 2024-12-24. Review status: criteria provided, single submitter. Criteria: Invitae Variant Classification Sherloc (09022015). Collection method: clinical testing. Allele origin: germline.

Blueprint Genetics
Classification: Likely benign. Last evaluated: 2024-07-10. Review status: criteria provided, single submitter. Criteria: ACMG Guidelines, 2015. Collection method: clinical testing. Allele origin: germline.

Fulgent Genetics
Classification: Uncertain significance for Branchiootorenal syndrome 1; Otofaciocervical syndrome 1; Branchiootic syndrome 1. Last evaluated: 2024-03-20. Review status: criteria provided, single submitter. Criteria: ACMG Guidelines, 2015. Collection method: clinical testing. Allele origin: germline.

NM_000503.6(EYA1):c.49A>G (p.Ser17Gly)

Gene: EYA1 (EYA transcriptional coactivator and phosphatase 1; minus strand). Cytogenetic location: 8q13.3.
Variant type: single nucleotide variant.
Coding change: c.49A>G on transcript NM_000503.6 (MANE Select); coding-DNA position 49, A replaced by G.
Protein change: p.Ser17Gly; replaces serine 17 with glycine.
Molecular consequence: missense variant. On other transcripts: 5 prime UTR variant (1).
Genome position (GRCh38, 1-based): chr8:71,354,857, T>C on the plus strand (A>G on the coding strand, the complement: EYA1 is on the minus strand). VCF-style: chr8-71354857-T-C. GRCh37 (hg19) VCF-style: chr8-72267092-T-C.
Other names: c.49A>G (NM_172058.3); c.49A>G, p.Ser17Gly (NM_001288574.2, NM_001370334.1, NM_001370335.1 and 1 more transcripts); c.-236A>G (NM_001288575.2); c.136A>G, p.Ser46Gly (NM_001370333.1, NM_001370336.1, NM_172059.5); short protein forms S17G, S46G.
Identifiers: ClinVar variation 810294 (VCV000810294.52), dbSNP rs747231434, ClinGen allele CA4779935.